The following is an entry in ClinVar:

ClinVar aggregate classification (germline): Uncertain significance. Review status: criteria provided, multiple submitters, no conflicts (2 of 4 stars). 3 submissions from 3 submitters: Uncertain significance (3). Last evaluated 2026-04-23.

Allele frequency attached by ClinVar (database versions not stated): gnomAD exomes 0.00002; ExAC 0.00007; ESP Exome Variant Server 0.00024.
gnomAD v4.1: 34 of 1,602,686 alleles (0.0021%); highest among the groups gnomAD compares: African/African-American, 0.013%; no homozygotes.

Submissions (3):

Women's Health and Genetics/Laboratory Corporation of America, LabCorp
Classification: Uncertain significance. Last evaluated: 2026-04-23. Review status: criteria provided, single submitter. Criteria: LabCorp Variant Classification Summary - May 2015. Collection method: clinical testing. Allele origin: germline.
Comment: Variant summary: FCSK c.2591C>T (p.Thr864Met) results in a non-conservative amino acid change in the encoded protein sequence. Algorithms developed to predict the effect of missense changes on protein structure and function all suggest that this variant is likely to be disruptive. The variant allele was found at a frequency of 3.1e-05 in 262166 control chromosomes. The available data on variant occurrences in the general population are insufficient to allow any conclusion about variant significance. To our knowledge, no occurrence of c.2591C>T in individuals affected with FCSK-related conditions and no experimental evidence demonstrating its impact on protein function have been reported. ClinVar contains an entry for this variant (Variation ID: 1926987). Based on the evidence outlined above, the variant was classified as uncertain significance.

Ambry Genetics
Classification: Uncertain significance. Last evaluated: 2023-10-10. Review status: criteria provided, single submitter. Criteria: Ambry Variant Classification Scheme 2023. Collection method: clinical testing. Allele origin: germline.

Labcorp Genetics (formerly Invitae), Labcorp
Classification: Uncertain significance. Last evaluated: 2022-05-27. Review status: criteria provided, single submitter. Criteria: Invitae Variant Classification Sherloc (09022015). Collection method: clinical testing. Allele origin: germline.
Comment: This sequence change replaces threonine, which is neutral and polar, with methionine, which is neutral and non-polar, at codon 864 of the FUK protein (p.Thr864Met). This variant is present in population databases (rs370391879, gnomAD 0.02%). This variant has not been reported in the literature in individuals affected with FUK-related conditions. Algorithms developed to predict the effect of missense changes on protein structure and function output the following: SIFT: "Deleterious"; PolyPhen-2: "Benign"; Align-GVGD: "Class C0". The methionine amino acid residue is found in multiple mammalian species, which suggests that this missense change does not adversely affect protein function. In summary, the available evidence is currently insufficient to determine the role of this variant in disease. Therefore, it has been classified as a Variant of Uncertain Significance.

NM_145059.3(FCSK):c.2591C>T (p.Thr864Met)

Gene: FCSK (fucose kinase; plus strand). Cytogenetic location: 16q22.1.
Variant type: single nucleotide variant.
Coding change: c.2591C>T on transcript NM_145059.3 (MANE Select); coding-DNA position 2591, C replaced by T.
Protein change: p.Thr864Met; replaces threonine 864 with methionine.
Molecular consequence: missense variant.
Genome position (GRCh38, 1-based): chr16:70,475,717, C>T. VCF-style: chr16-70475717-C-T. GRCh37 (hg19) VCF-style: chr16-70509620-C-T.
Other names: c.2591C>T (NM_145059.2); short protein forms T864M.
Identifiers: ClinVar variation 1926987 (VCV001926987.7), dbSNP rs370391879, ClinGen allele CA8143652.